The following is an entry in ClinVar:

ClinVar aggregate classification (germline): Uncertain significance (1 of 4 stars; one submission).

Submission:

Labcorp Genetics (formerly Invitae), Labcorp
Classification: Uncertain significance. Last evaluated: 2022-03-15. Review status: criteria provided, single submitter. Criteria: Invitae Variant Classification Sherloc (09022015). Collection method: clinical testing. Allele origin: germline.
Comment: In summary, the available evidence is currently insufficient to determine the role of this variant in disease. Therefore, it has been classified as a Variant of Uncertain Significance. Advanced modeling of protein sequence and biophysical properties (such as structural, functional, and spatial information, amino acid conservation, physicochemical variation, residue mobility, and thermodynamic stability) performed at Invitae indicates that this missense variant is expected to disrupt COL9A3 protein function. This variant has not been reported in the literature in individuals affected with COL9A3-related conditions. This variant is not present in population databases (gnomAD no frequency). This sequence change replaces glycine, which is neutral and non-polar, with cysteine, which is neutral and slightly polar, at codon 139 of the COL9A3 protein (p.Gly139Cys).

NM_001853.4(COL9A3):c.415G>T (p.Gly139Cys)

Gene: COL9A3 (collagen type IX alpha 3 chain; plus strand). Cytogenetic location: 20q13.33.
Variant type: single nucleotide variant.
Coding change: c.415G>T on transcript NM_001853.4 (MANE Select); coding-DNA position 415, G replaced by T.
Protein change: p.Gly139Cys; replaces glycine 139 with cysteine.
Molecular consequence: missense variant.
Genome position (GRCh38, 1-based): chr20:62,821,802, G>T. VCF-style: chr20-62821802-G-T. GRCh37 (hg19) VCF-style: chr20-61453154-G-T.
Other names: short protein forms G139C.
Identifiers: ClinVar variation 2112662 (VCV002112662.4), dbSNP rs551439892, ClinGen allele CA409588608.
Genomic context (GRCh38, chr20:62,821,802, plus strand): 5'-TTTACTTCCCTCCAGGGAGAGGCAGGAGTGAGCGGCCCCCCAGGTGGGATCGGCCTCCGC[G>T]GCCCCCCGGTGAGTGGCTGTCCCAGAGCCCCTCAGAGTGTGCTCACCTGTGGCCTCCACC-3'
Protein context (NP_001844.3, residues 129-149): SGPPGGIGLR[Gly139Cys]PPGPSGLPGL